The following is an entry in ClinVar:

NM_206933.4(USH2A):c.11056G>T (p.Val3686Leu)

Gene: USH2A (usherin; minus strand). Cytogenetic location: 1q41.
Variant type: single nucleotide variant.
Coding change: c.11056G>T on transcript NM_206933.4 (MANE Select); coding-DNA position 11056, G replaced by T.
Protein change: p.Val3686Leu; replaces valine 3686 with leucine.
Molecular consequence: missense variant.
Genome position (GRCh38, 1-based): chr1:215,759,835, C>A on the plus strand (G>T on the coding strand, the complement: USH2A is on the minus strand). VCF-style: chr1-215759835-C-A. GRCh37 (hg19) VCF-style: chr1-215933177-C-A.
Other names: short protein forms V3686L.
Identifiers: ClinVar variation 1698198 (VCV001698198.2), dbSNP rs1418854471, ClinGen allele CA344823440.

ClinVar aggregate classification (germline): Uncertain significance (1 of 4 stars; one submission).

Submission:

GeneDx
Classification: Uncertain significance. Last evaluated: 2022-01-20. Review status: criteria provided, single submitter. Criteria: GeneDx Variant Classification Process June 2021. Collection method: clinical testing. Allele origin: germline. Affected: yes.
Comment: Not observed at significant frequency in large population cohorts (gnomAD); In silico analysis supports that this missense variant does not alter protein structure/function; Has not been previously published as pathogenic or benign to our knowledge